The following is an entry in ClinVar:

ClinVar aggregate classification (germline): Uncertain significance. Review status: criteria provided, multiple submitters, no conflicts (2 of 4 stars). 2 submissions from 2 submitters: Uncertain significance (2). Last evaluated 2023-12-06.

Conditions:
Neuropathy, hereditary sensory, type 2C. Also called: Hereditary sensory and autonomic neuropathy type IIC; KIF1A-Related HSAN2 (HSAN2C). Identifiers: Orphanet 970, MedGen C3280168, MONDO:0013634, OMIM 614213.
Intellectual disability, autosomal dominant 9 (NESCAVS). Also called: KIF1A-Related Neurodevelopmental Disorder; NESCAV SYNDROME. Identifiers: Orphanet 662367, MedGen C5393830, MONDO:0013656, OMIM 614255.
Hereditary spastic paraplegia 30. Identifiers: Orphanet 101010, MedGen C5235139, MONDO:0012476.

Allele frequency attached by ClinVar (database versions not stated): gnomAD exomes below 0.00001 and 0.00001; ExAC 0.00001; TOPMed 0.00003.

Submissions (2):

Labcorp Genetics (formerly Invitae), Labcorp
Classification: Uncertain significance for Hereditary spastic paraplegia 30; Neuropathy, hereditary sensory, type 2C; Intellectual disability, autosomal dominant 9. Last evaluated: 2023-12-06. Review status: criteria provided, single submitter. Criteria: Invitae Variant Classification Sherloc (09022015). Collection method: clinical testing. Allele origin: germline.
Comment: This sequence change replaces arginine, which is basic and polar, with cysteine, which is neutral and slightly polar, at codon 423 of the KIF1A protein (p.Arg423Cys). This variant is present in population databases (rs763524814, gnomAD 0.003%). This variant has not been reported in the literature in individuals affected with KIF1A-related conditions. ClinVar contains an entry for this variant (Variation ID: 1041214). Advanced modeling of protein sequence and biophysical properties (such as structural, functional, and spatial information, amino acid conservation, physicochemical variation, residue mobility, and thermodynamic stability) performed at Invitae indicates that this missense variant is expected to disrupt KIF1A protein function with a positive predictive value of 95%. In summary, the available evidence is currently insufficient to determine the role of this variant in disease. Therefore, it has been classified as a Variant of Uncertain Significance.

GeneDx
Classification: Uncertain significance. Last evaluated: 2021-03-16. Review status: criteria provided, single submitter. Criteria: GeneDx Variant Classification Process June 2021. Collection method: clinical testing. Allele origin: germline. Affected: yes.
Comment: In silico analysis, which includes protein predictors and evolutionary conservation, supports a deleterious effect; Has not been previously published as pathogenic or benign to our knowledge

NM_001244008.2(KIF1A):c.1294C>T (p.Arg432Cys)

Gene: KIF1A (kinesin family member 1A; minus strand). Cytogenetic location: 2q37.3.
Variant type: single nucleotide variant.
Coding change: c.1294C>T on transcript NM_001244008.2 (MANE Select); coding-DNA position 1294, C replaced by T.
Protein change: p.Arg432Cys; replaces arginine 432 with cysteine.
Molecular consequence: missense variant.
Genome position (GRCh38, 1-based): chr2:240,771,018, G>A on the plus strand (C>T on the coding strand, the complement: KIF1A is on the minus strand). VCF-style: chr2-240771018-G-A. GRCh37 (hg19) VCF-style: chr2-241710435-G-A.
Other names: c.1294C>T, p.Arg432Cys (NM_001320705.2, NM_001330289.2, NM_001379638.1); c.1369C>T, p.Arg457Cys (NM_001330290.2, NM_001379631.1, NM_001379634.1 and 2 more transcripts); c.1267C>T, p.Arg423Cys (NM_001379632.1, NM_001379633.1, NM_001379636.1 and 10 more transcripts); c.1342C>T, p.Arg448Cys (NM_001379637.1, NM_001379648.1); short protein forms R423C, R432C, R457C, R448C.
Identifiers: ClinVar variation 1041214 (VCV001041214.12), dbSNP rs763524814, ClinGen allele CA2208454.